The following is an entry in ClinVar:

NM_001184.4(ATR):c.2591A>G (p.Glu864Gly)

Gene: ATR (ATR checkpoint kinase; minus strand). Cytogenetic location: 3q23.
Variant type: single nucleotide variant.
Coding change: c.2591A>G on transcript NM_001184.4 (MANE Select); coding-DNA position 2591, A replaced by G.
Protein change: p.Glu864Gly; replaces glutamic acid 864 with glycine.
Molecular consequence: missense variant.
Genome position (GRCh38, 1-based): chr3:142,553,682, T>C on the plus strand (A>G on the coding strand, the complement: ATR is on the minus strand). VCF-style: chr3-142553682-T-C. GRCh37 (hg19) VCF-style: chr3-142272524-T-C.
Other names: c.2399A>G, p.Glu800Gly (NM_001354579.2); short protein forms E864G, E800G.
Identifiers: ClinVar variation 1793523 (VCV001793523.4), dbSNP rs1460607797, ClinGen allele CA354815501.

ClinVar aggregate classification (germline): Uncertain significance. Review status: criteria provided, multiple submitters, no conflicts (2 of 4 stars). 2 submissions from 2 submitters: Uncertain significance (2). Last evaluated 2025-06-29.

Conditions:
Inborn genetic diseases. Identifiers: MedGen C0950123, MeSH D030342.

Allele frequency attached by ClinVar (database versions not stated): gnomAD exomes below 0.00001.
gnomAD v4.1: 1 of 1,612,482 alleles (0.000062%); highest among the groups gnomAD compares: Admixed American, 0.0017%; no homozygotes.

Submissions (2):

Dasa
Classification: Uncertain significance. Last evaluated: 2025-06-29. Review status: criteria provided, single submitter. Criteria: DASA Assertion Criteria. Collection method: clinical testing. Allele origin: germline.
Comment: NM_001184.4(ATR):c.2591A>G (p.Glu864Gly) is a missense variant that results in the substitution of glutamic acid with glycine. This variant is rare in population databases. Computational prediction algorithms are consistent with a benign effect. The currently available literature and clinical evidence are not sufficient to establish a definitive association between this variant and the reported condition. Therefore, this variant is classified as a variant of uncertain significance.

Ambry Genetics
Classification: Uncertain significance for Inborn genetic diseases. Last evaluated: 2021-12-14. Review status: criteria provided, single submitter. Criteria: Ambry Variant Classification Scheme 2023. Collection method: clinical testing. Allele origin: germline.
Comment: The p.E864G variant (also known as c.2591A>G), located in coding exon 12 of the ATR gene, results from an A to G substitution at nucleotide position 2591. The glutamic acid at codon 864 is replaced by glycine, an amino acid with similar properties. This amino acid position is conserved. In addition, this alteration is predicted to be tolerated by in silico analysis. Since supporting evidence is limited at this time, the clinical significance of this alteration remains unclear.